The following is an entry in ClinVar:

ClinVar aggregate classification (germline): Likely pathogenic (1 of 4 stars; one submission).

Conditions:
Alport syndrome 3b, autosomal recessive. Identifiers: MedGen C5882699, MONDO:0957811, OMIM 620536.

Submission:

3billion
Classification: Likely pathogenic for Alport syndrome 3b, autosomal recessive. Last evaluated: 2025-06-27. Review status: criteria provided, single submitter. Criteria: ACMG Guidelines, 2015. Collection method: clinical testing. Allele origin: germline. Affected: yes.
Comment: The variant is not observed in the gnomAD v4.1.0 dataset. Predicted Consequence/Location: The variant is located in a mutational hot spot and/or well-established functional domain in which established pathogenic variants have been reported (PMID: 30311386, 27627812). In silico tool predictions suggest damaging effect of the variant on gene or gene product [REVEL: 0.99 (>=0.6, sensitivity 0.68 and specificity 0.92)]. A different missense change at the same codon (p.Gly1192Glu) have been reported as pathogenic/likely pathogenic with strong evidence (ClinVar ID: VCV000635543 /PMID: 26809805). Therefore, this variant is classified as Likely pathogenic according to the recommendation of ACMG/AMP guideline.

Literature cited by the submitters: PubMed 26809805.

NM_000091.5(COL4A3):c.3575G>T (p.Gly1192Val)

Genes: MFF-DT (MFF divergent transcript; minus strand), COL4A3 (collagen type IV alpha 3 chain; plus strand). Cytogenetic location: 2q36.3.
Variant type: single nucleotide variant.
Coding change: c.3575G>T on transcript NM_000091.5 (MANE Select); coding-DNA position 3575, G replaced by T.
Protein change: p.Gly1192Val; replaces glycine 1192 with valine.
Molecular consequence: missense variant.
Genome position (GRCh38, 1-based): chr2:227,297,683, G>T. VCF-style: chr2-227297683-G-T. GRCh37 (hg19) VCF-style: chr2-228162399-G-T.
Other names: short protein forms G1192V.
Identifiers: ClinVar variation 4855303 (VCV004855303.1).
Genomic context (GRCh38, chr2:227,297,683, plus strand): 5'-AACCCAAGCATATGGGCATTAAAGAAACTTATTAAGCCTTCTTCTTTGCAGGAGCCAAAG[G>T]AGACAGGGGAGCCCCAGGTTTTCCTGGCCTCCCGGGCAGAAAAGGGGCCATGGGAGATGC-3'
Protein context (NP_000082.2, residues 1182-1202): RGNPGAQGAK[Gly1192Val]DRGAPGFPGL